The following is an entry in ClinVar:

NM_000548.5(TSC2):c.2402C>T (p.Ala801Val)

Gene: TSC2 (TSC complex subunit 2; plus strand). Cytogenetic location: 16p13.3.
Variant type: single nucleotide variant.
Coding change: c.2402C>T on transcript NM_000548.5 (MANE Select); coding-DNA position 2402, C replaced by T.
Protein change: p.Ala801Val; replaces alanine 801 with valine.
Molecular consequence: missense variant. On other transcripts: non-coding transcript variant (5).
Genome position (GRCh38, 1-based): chr16:2,074,246, C>T. VCF-style: chr16-2074246-C-T. GRCh37 (hg19) VCF-style: chr16-2124247-C-T.
Other names: c.2402C>T, p.Ala801Val (NM_001077183.3, NM_001114382.3, NM_001363528.2 and 6 more transcripts); c.2291C>T, p.Ala764Val (NM_001318827.2, NM_001406670.1, NM_001406678.1); c.2255C>T, p.Ala752Val (NM_001318829.2, NM_001406675.1, NM_001406676.1 and 1 more transcripts); c.1802C>T, p.Ala601Val (NM_001318831.2, NM_001406680.1, NM_001406682.1 and 6 more transcripts); c.2435C>T, p.Ala812Val (NM_001318832.2); c.2492C>T, p.Ala831Val (NM_001406667.1, NM_001406668.1); c.2390C>T, p.Ala797Val (NM_001406671.1, NM_001406673.1); c.2345C>T, p.Ala782Val (NM_001406677.1); and 3 more; short protein forms A752V, A797V, A801V, A812V, A831V, A267V, A353V, A601V.
Identifiers: ClinVar variation 4557193 (VCV004557193.1).

ClinVar aggregate classification (germline): Uncertain significance (1 of 4 stars; one submission).

Conditions:
Hereditary cancer-predisposing syndrome. Also called: Tumor predisposition; Hereditary Cancer Syndrome; Hereditary neoplastic syndrome; Neoplastic Syndromes, Hereditary. Identifiers: Orphanet 140162, MedGen C0027672, MeSH D009386, MONDO:0015356.

Submission:

Ambry Genetics
Classification: Uncertain significance for Hereditary cancer-predisposing syndrome. Last evaluated: 2025-11-02. Review status: criteria provided, single submitter. Criteria: Ambry Variant Classification Scheme 2023. Collection method: clinical testing. Allele origin: germline.
Comment: The p.A801V variant (also known as c.2402C>T), located in coding exon 21 of the TSC2 gene, results from a C to T substitution at nucleotide position 2402. The alanine at codon 801 is replaced by valine, an amino acid with similar properties. This amino acid position is conserved. In addition, this alteration is predicted to be deleterious by in silico analysis. Based on the available evidence, the clinical significance of this variant remains unclear.